The following is an entry in ClinVar:

ClinVar aggregate classification (germline): Uncertain significance. Review status: criteria provided, multiple submitters, no conflicts (2 of 4 stars). 2 submissions from 2 submitters: Uncertain significance (2). Last evaluated 2025-09-25.

Conditions:
Microcephaly 2, primary, autosomal recessive, with or without cortical malformations. Also called: MICROCEPHALY 2, PRIMARY, AUTOSOMAL RECESSIVE, WITH CORTICAL MALFORMATIONS; WDR62 Primary Microcephaly. Identifiers: Orphanet 2512, MedGen C1858535, MONDO:0011435, OMIM 604317.
Inborn genetic diseases. Identifiers: MedGen C0950123, MeSH D030342.

Allele frequency attached by ClinVar (database versions not stated): gnomAD 0.00001; TOPMed 0.00001; ExAC 0.00002; gnomAD exomes 0.00002.
gnomAD v4.1: 40 of 1,613,976 alleles (0.0025%); highest among the groups gnomAD compares: South Asian, 0.021%; no homozygotes.

Submissions (2):

Ambry Genetics
Classification: Uncertain significance for Inborn genetic diseases. Last evaluated: 2025-09-25. Review status: criteria provided, single submitter. Criteria: Ambry Variant Classification Scheme 2023. Collection method: clinical testing. Allele origin: germline.

Baylor Genetics
Classification: Uncertain significance for Microcephaly 2, primary, autosomal recessive, with or without cortical malformations. Last evaluated: 2020-04-14. Review status: criteria provided, single submitter. Criteria: ACMG Guidelines, 2015. Collection method: clinical testing. Allele origin: unknown. Affected: yes.
Comment: This variant was determined to be of uncertain significance according to ACMG Guidelines, 2015 [PMID:25741868].

NM_001083961.2(WDR62):c.1169A>G (p.Asp390Gly)

Gene: WDR62 (WD repeat domain 62; plus strand). Cytogenetic location: 19q13.12.
Variant type: single nucleotide variant.
Coding change: c.1169A>G on transcript NM_001083961.2 (MANE Select); coding-DNA position 1169, A replaced by G.
Protein change: p.Asp390Gly; replaces aspartic acid 390 with glycine.
Molecular consequence: missense variant.
Genome position (GRCh38, 1-based): chr19:36,073,467, A>G. VCF-style: chr19-36073467-A-G. GRCh37 (hg19) VCF-style: chr19-36564369-A-G.
Other names: c.1169A>G, p.Asp390Gly (NM_173636.5); short protein forms D390G.
Identifiers: ClinVar variation 1030117 (VCV001030117.2), dbSNP rs781151383, ClinGen allele CA9395504.